The following is an entry in ClinVar:

NM_000719.7(CACNA1C):c.3642C>T (p.Tyr1214=)

Gene: CACNA1C (calcium voltage-gated channel subunit alpha1 C; plus strand). Cytogenetic location: 12p13.33.
Variant type: single nucleotide variant.
Coding change: c.3642C>T on transcript NM_000719.7 (MANE Select); coding-DNA position 3642, C replaced by T.
Protein change: p.Tyr1214=; no amino-acid change (tyrosine 1214 retained).
Molecular consequence: synonymous variant.
Genome position (GRCh38, 1-based): chr12:2,610,624, C>T. VCF-style: chr12-2610624-C-T. GRCh37 (hg19) VCF-style: chr12-2719790-C-T.
Other names: c.3702C>T, p.Tyr1234= (NM_001129827.2, NM_001129832.2, NM_199460.4); c.3642C>T, p.Tyr1214= (NM_001129829.2, NM_001129830.3, NM_001129831.2 and 15 more transcripts); c.3633C>T, p.Tyr1211= (NM_001129844.2).
Identifiers: ClinVar variation 93402 (VCV000093402.70), dbSNP rs56394008, ClinGen allele CA221300.

ClinVar aggregate classification (germline): Conflicting classifications of pathogenicity. Review status: criteria provided, conflicting classifications (1 of 4 stars). 13 submissions from 13 submitters: Uncertain significance (1); Benign (3); Likely benign (6). 3 of the submissions do not count toward it. Last evaluated 2026-02-01.

Conditions:
Cardiovascular phenotype. Identifiers: MedGen CN230736.
Long QT syndrome (LQTS). Identifiers: MedGen C0023976, MeSH D008133, MONDO:0002442. Disease mechanism: loss of function. Inheritance: Various modes of inheritance.

Allele frequency attached by ClinVar (database versions not stated): gnomAD exomes 0.00056 and 0.00144; ExAC 0.00065; TOPMed 0.00086; gnomAD 0.00096 and 0.00097; 1000 Genomes Project 0.00100; 1000 Genomes Project 30x 0.00125; ESP Exome Variant Server 0.00131.
gnomAD v4.1: 2,306 of 1,614,132 alleles (0.14%); highest among the groups gnomAD compares: Non-Finnish European, 0.18%; 3 homozygotes.

Submissions (13):

CeGaT Center for Human Genetics Tuebingen
Classification: Likely benign. Last evaluated: 2026-02-01. Review status: criteria provided, single submitter. Criteria: CeGaT Center For Human Genetics Tuebingen Variant Classification Criteria Version 2. Collection method: clinical testing. Allele origin: germline. Affected: yes. Observed: 9 variant alleles.
Comment: CACNA1C: BP4, BP7, BS1

Labcorp Genetics (formerly Invitae), Labcorp
Classification: Benign for Long QT syndrome. Last evaluated: 2026-02-01. Review status: criteria provided, single submitter. Criteria: Invitae Variant Classification Sherloc (09022015). Collection method: clinical testing. Allele origin: germline.

Molecular Diagnostic Laboratory for Inherited Cardiovascular Disease, Montreal Heart Institute
Classification: Likely benign. Last evaluated: 2025-04-09. Review status: criteria provided, single submitter. Criteria: ACMG Guidelines, 2015. Collection method: clinical testing. Allele origin: germline. Affected: no.

Blueprint Genetics
Classification: Likely benign. Last evaluated: 2024-11-27. Review status: criteria provided, single submitter. Criteria: ACMG Guidelines, 2015. Collection method: clinical testing. Allele origin: germline.

ARUP Laboratories, Molecular Genetics and Genomics, ARUP Laboratories
Classification: Likely benign. Last evaluated: 2024-08-13. Review status: criteria provided, single submitter. Criteria: ARUP Molecular Germline Variant Investigation Process 2024. Collection method: clinical testing. Allele origin: germline.

Women's Health and Genetics/Laboratory Corporation of America, LabCorp
Classification: Benign. Last evaluated: 2022-07-24. Review status: criteria provided, single submitter. Criteria: LabCorp Variant Classification Summary - May 2015. Collection method: clinical testing. Allele origin: germline.

Ambry Genetics
Classification: Likely benign for Cardiovascular phenotype. Last evaluated: 2016-07-18. Review status: criteria provided, single submitter. Criteria: Ambry Variant Classification Scheme 2023. Collection method: clinical testing. Allele origin: germline.

GeneDx
Classification: Benign. Last evaluated: 2015-03-03. Review status: criteria provided, single submitter. Criteria: GeneDx Variant Classification Process June 2021. Collection method: clinical testing. Allele origin: germline. Affected: yes.

Eurofins Ntd Llc (ga)
Classification: Uncertain significance. Last evaluated: 2013-08-29. Review status: criteria provided, single submitter. Criteria: EGL Classification Definitions 2015. Collection method: clinical testing. Allele origin: germline. Observed: 1 variant allele, 1 heterozygote.

PreventionGenetics, part of Exact Sciences
Classification: Likely benign. Review status: criteria provided, single submitter. Criteria: ACMG Guidelines, 2015. Collection method: clinical testing. Allele origin: germline.

Clinical Genetics DNA and cytogenetics Diagnostics Lab, Erasmus MC, Erasmus Medical Center
Classification: Likely benign. Review status: no assertion criteria provided. Collection method: clinical testing. Allele origin: germline. Affected: yes. Study: VKGL Data-share Consensus. Not counted in ClinVar's aggregate classification.

Clinical Genetics, Academic Medical Center
Classification: Benign. Review status: no assertion criteria provided. Collection method: clinical testing. Allele origin: germline. Affected: yes. Study: VKGL Data-share Consensus. Not counted in ClinVar's aggregate classification.

Joint Genome Diagnostic Labs from Nijmegen and Maastricht, Radboudumc and MUMC+
Classification: Likely benign. Review status: no assertion criteria provided. Collection method: clinical testing. Allele origin: germline. Affected: yes. Study: VKGL Data-share Consensus. Not counted in ClinVar's aggregate classification.